The following is an entry in ClinVar:

ClinVar aggregate classification (germline): Uncertain significance (1 of 4 stars; one submission).

Conditions:
Primary dilated cardiomyopathy (DCM). Also called: Dilated Cardiomyopathy. Identifiers: Orphanet 217604, MedGen C0007193, MeSH D002311, MONDO:0005021, HP:0001644. Inheritance: Various modes of inheritance.
Hypertrophic cardiomyopathy. Also called: HYPERTROPHIC MYOCARDIOPATHY. Identifiers: Orphanet 217569, MedGen C0007194, MeSH D002312, MONDO:0005045, HP:0001639.

Allele frequency attached by ClinVar (database versions not stated): gnomAD exomes below 0.00001; ExAC 0.00001.
gnomAD v4.1: 3 of 1,614,192 alleles (0.00019%); highest among the groups gnomAD compares: East Asian, 0.0022%; no homozygotes.

Submission:

Labcorp Genetics (formerly Invitae), Labcorp
Classification: Uncertain significance for Hypertrophic cardiomyopathy; Primary dilated cardiomyopathy. Last evaluated: 2022-02-19. Review status: criteria provided, single submitter. Criteria: Invitae Variant Classification Sherloc (09022015). Collection method: clinical testing. Allele origin: germline.
Comment: This sequence change replaces glycine, which is neutral and non-polar, with serine, which is neutral and polar, at codon 284 of the PDLIM3 protein (p.Gly284Ser). This variant is present in population databases (rs574011141, gnomAD 0.006%). This variant has not been reported in the literature in individuals affected with PDLIM3-related conditions. Algorithms developed to predict the effect of missense changes on protein structure and function output the following: SIFT: "Deleterious"; PolyPhen-2: "Benign"; Align-GVGD: "Class C55". The serine amino acid residue is found in multiple mammalian species, which suggests that this missense change does not adversely affect protein function. In summary, the available evidence is currently insufficient to determine the role of this variant in disease. Therefore, it has been classified as a Variant of Uncertain Significance.

NM_014476.6(PDLIM3):c.850G>A (p.Gly284Ser)

Gene: PDLIM3 (PDZ and LIM domain 3; minus strand). Cytogenetic location: 4q35.1.
Variant type: single nucleotide variant.
Coding change: c.850G>A on transcript NM_014476.6 (MANE Select); coding-DNA position 850, G replaced by A.
Protein change: p.Gly284Ser; replaces glycine 284 with serine.
Molecular consequence: missense variant. On other transcripts: non-coding transcript variant (1).
Genome position (GRCh38, 1-based): chr4:185,504,530, C>T on the plus strand (G>A on the coding strand, the complement: PDLIM3 is on the minus strand). VCF-style: chr4-185504530-C-T. GRCh37 (hg19) VCF-style: chr4-186425684-C-T.
Other names: c.706G>A, p.Gly236Ser (NM_001114107.5); c.586G>A, p.Gly196Ser (NM_001257962.2); c.349G>A, p.Gly117Ser (NM_001257963.2); short protein forms G236S, G117S, G196S, G284S.
Identifiers: ClinVar variation 2059901 (VCV002059901.4), dbSNP rs574011141, ClinGen allele CA3159668.
Genomic context (GRCh38, chr4:185,504,530, plus strand): 5'-CTTACACTATGCCACTCCCACATTTGTCACAGAGCGGCATCCTCTGTGCCCCGCCTGAAC[C>T]GCCATGGACTTTCGTCACCGGAGCTCTCACACTCCGCGTTCCAGCCGGACGGTCATCTGA-3'
Protein context (NP_055291.2, residues 274-294): VRAPVTKVHG[Gly284Ser]SGGAQRMPLC